The following is an entry in ClinVar:

ClinVar aggregate classification (germline): Uncertain significance (1 of 4 stars; one submission).

gnomAD v4.1: 2 of 1,611,502 alleles (0.00012%); highest among the groups gnomAD compares: Non-Finnish European, 0.00017%; no homozygotes.

Submission:

Women's Health and Genetics/Laboratory Corporation of America, LabCorp
Classification: Uncertain significance. Last evaluated: 2025-03-10. Review status: criteria provided, single submitter. Criteria: LabCorp Variant Classification Summary - May 2015. Collection method: clinical testing. Allele origin: germline.
Comment: Variant summary: AKAP9 c.406-18A>G alters a conserved nucleotide located at a position not widely known to affect splicing. Several computational tools predict a significant impact on normal splicing: One predict the variant weakens a canonical 3' acceptor site. Three predict the variant creates a cryptic 3' acceptor site. However, these predictions have yet to be confirmed by functional studies. The variant was absent in 250508 control chromosomes. The available data on variant occurrences in the general population are insufficient to allow any conclusion about variant significance. To our knowledge, no occurrence of c.406-18A>G in individuals affected with Long QT Syndrome and no experimental evidence demonstrating its impact on protein function have been reported. No submitters have cited clinical-significance assessments for this variant to ClinVar. Based on the evidence outlined above, the variant was classified as uncertain significance.

NM_005751.5(AKAP9):c.406-18A>G

Gene: AKAP9 (A-kinase anchoring protein 9; plus strand). Cytogenetic location: 7q21.2.
Variant type: single nucleotide variant.
Coding change: c.406-18A>G on transcript NM_005751.5 (MANE Select); 18 bases into the intron before coding-DNA position 406, A replaced by G.
Molecular consequence: intron variant.
Genome position (GRCh38, 1-based): chr7:91,992,867, A>G. VCF-style: chr7-91992867-A-G. GRCh37 (hg19) VCF-style: chr7-91622181-A-G.
Other names: c.406-18A>G (NM_147185.3).
Identifiers: ClinVar variation 3895764 (VCV003895764.1).